The following is an entry in ClinVar:

ClinVar aggregate classification (germline): Uncertain significance. Review status: criteria provided, multiple submitters, no conflicts (2 of 4 stars). 6 submissions from 6 submitters: Uncertain significance (6). Last evaluated 2025-06-15.

Conditions:
Wilms tumor 1 (WT1). Also called: Wilms tumor, somatic. Identifiers: Orphanet 654, MedGen CN033288, MONDO:0008679, OMIM 194070.
11p partial monosomy syndrome (WAGR). Also called: WAGR Complex; WAGR Spectrum Disorder; CHROMOSOME 11p13 DELETION SYNDROME; WAGR syndrome. Identifiers: Orphanet 893, MedGen C0206115, MONDO:0008681, OMIM 194072.
Frasier syndrome. Identifiers: Orphanet 347, MedGen C0950122, MeSH D052159, MONDO:0007635, OMIM 136680.
Drash syndrome (DDS). Also called: WILMS TUMOR AND PSEUDO- OR TRUE HERMAPHRODITISM; NEPHROPATHY, WILMS TUMOR, AND GENITAL ANOMALIES. Identifiers: Orphanet 220, MedGen C0950121, MONDO:0008682, OMIM 194080.
Inborn genetic diseases. Identifiers: MedGen C0950123, MeSH D030342.

Allele frequency attached by ClinVar (database versions not stated): gnomAD exomes below 0.00001; TOPMed below 0.00001; gnomAD 0.00001 and 0.00003.
gnomAD v4.1: 3 of 1,613,860 alleles (0.00019%); highest among the groups gnomAD compares: African/African-American, 0.0013%; no homozygotes.

Submissions (6):

Ambry Genetics
Classification: Uncertain significance for Inborn genetic diseases. Last evaluated: 2025-06-15. Review status: criteria provided, single submitter. Criteria: Ambry Variant Classification Scheme 2023. Collection method: clinical testing. Allele origin: germline.
Comment: The p.R370C variant (also known as c.1108C>T), located in coding exon 7 of the WT1 gene, results from a C to T substitution at nucleotide position 1108. The arginine at codon 370 is replaced by cysteine, an amino acid with highly dissimilar properties. This amino acid position is conserved. In addition, this alteration is predicted to be deleterious by in silico analysis. Based on the available evidence, the clinical significance of this variant remains unclear.

Labcorp Genetics (formerly Invitae), Labcorp
Classification: Uncertain significance for Wilms tumor 1; Drash syndrome; 11p partial monosomy syndrome; Frasier syndrome. Last evaluated: 2025-02-19. Review status: criteria provided, single submitter. Criteria: Invitae Variant Classification Sherloc (09022015). Collection method: clinical testing. Allele origin: germline.
Comment: This sequence change replaces arginine, which is basic and polar, with cysteine, which is neutral and slightly polar, at codon 370 of the WT1 protein (p.Arg370Cys). This variant is present in population databases (no rsID available, gnomAD 0.01%). This variant has not been reported in the literature in individuals affected with WT1-related conditions. ClinVar contains an entry for this variant (Variation ID: 646456). Invitae Evidence Modeling of protein sequence and biophysical properties (such as structural, functional, and spatial information, amino acid conservation, physicochemical variation, residue mobility, and thermodynamic stability) has been performed for this missense variant. However, the output from this modeling did not meet the statistical confidence thresholds required to predict the impact of this variant on WT1 protein function. In summary, the available evidence is currently insufficient to determine the role of this variant in disease. Therefore, it has been classified as a Variant of Uncertain Significance.

Baylor Genetics
Classification: Uncertain significance for Drash syndrome. Last evaluated: 2023-12-20. Review status: criteria provided, single submitter. Criteria: ACMG Guidelines, 2015. Collection method: clinical testing. Allele origin: unknown.

All of Us Research Program, National Institutes of Health
Classification: Uncertain significance for Wilms tumor 1. Last evaluated: 2023-12-13. Review status: criteria provided, single submitter. Criteria: ACMG Guidelines, 2015. Collection method: clinical testing. Allele origin: germline. Inheritance: Autosomal dominant inheritance. Observed: 1 variant allele, 1 heterozygote.
Comment: This missense variant replaces arginine with cysteine at codon 370 of the WT1 protein. Computational prediction is inconclusive regarding the impact of this variant on protein structure and function. To our knowledge, functional studies have not been reported for this variant. This variant has not been reported in individuals affected with WT1-related disorders in the literature. This variant has been identified in 1/31400 chromosomes in the general population by the Genome Aggregation Database (gnomAD). The available evidence is insufficient to determine the role of this variant in disease conclusively. Therefore, this variant is classified as a Variant of Uncertain Significance.

This study involves interpretation of variants in research participants for the purpose of population health screening. Participant phenotype was not available at the time of variant classification. Additional details can be found in publication PMID: 35346344, PMCID: PMC8962531

GeneDx
Classification: Uncertain significance. Last evaluated: 2023-11-13. Review status: criteria provided, single submitter. Criteria: GeneDx Variant Classification Process June 2021. Collection method: clinical testing. Allele origin: germline. Affected: yes.
Comment: Not observed at significant frequency in large population cohorts (gnomAD); In silico analysis supports that this missense variant has a deleterious effect on protein structure/function; Has not been previously published as pathogenic or benign to our knowledge; This variant is associated with the following publications: (PMID: 17361230)

Revvity Omics, Revvity
Classification: Uncertain significance. Last evaluated: 2022-03-17. Review status: criteria provided, single submitter. Criteria: ACMG Guidelines, 2015. Collection method: clinical testing. Allele origin: germline.

NM_024426.6(WT1):c.1123C>T (p.Arg375Cys)

Gene: WT1 (WT1 transcription factor; minus strand). Cytogenetic location: 11p13.
Variant type: single nucleotide variant.
Coding change: c.1123C>T on transcript NM_024426.6 (MANE Select); coding-DNA position 1123, C replaced by T.
Protein change: p.Arg375Cys; replaces arginine 375 with cysteine.
Molecular consequence: missense variant. On other transcripts: 5 prime UTR variant (1), non-coding transcript variant (1).
Genome position (GRCh38, 1-based): chr11:32,396,398, G>A on the plus strand (C>T on the coding strand, the complement: WT1 is on the minus strand). VCF-style: chr11-32396398-G-A. GRCh37 (hg19) VCF-style: chr11-32417944-G-A.
Other names: c.1072C>T, p.Arg358Cys (NM_000378.6, NM_001407045.1, NM_001407048.1 and 1 more transcripts); c.472C>T, p.Arg158Cys (NM_001198551.2); c.421C>T, p.Arg141Cys (NM_001198552.2); c.-66C>T (NM_001367854.1); c.1117C>T, p.Arg373Cys (NM_001407044.1); c.1123C>T, p.Arg375Cys (NM_001407046.1, NM_024424.5); c.1000C>T, p.Arg334Cys (NM_001407047.1); c.949C>T, p.Arg317Cys (NM_001407050.1); and 2 more; short protein forms R141C, R158C, R358C, R375C, R373C, R317C, R370C, R121C.
Identifiers: ClinVar variation 646456 (VCV000646456.18), dbSNP rs1172760612, ClinGen allele CA379960065.